The following is an entry in ClinVar:

NM_001271938.2(MEGF8):c.116_125del (p.Glu39fs)

Gene: MEGF8 (multiple EGF like domains 8; plus strand). Cytogenetic location: 19q13.2.
Variant type: Deletion.
Coding change: c.116_125del on transcript NM_001271938.2 (MANE Select); coding-DNA positions 116 to 125, 10 bases deleted (AGGCGCCAGG; older notation c.116_125delAGGCGCCAGG).
Protein change: p.Glu39fs; shifts the reading frame from glutamic acid 39.
Molecular consequence: frameshift variant.
Genome position (GRCh38, 1-based): chr19:42,326,359-42,326,368, AGGCGCCAGG deleted; deleting any 10 consecutive bases within chr19:42,326,357-42,326,368 gives the same sequence; the c. name uses the placement nearest the transcript's 3' end. VCF-style (leftmost placement, unchanged base first): chr19-42326356-GGGAGGCGCCA-G. GRCh37 (hg19) VCF-style: chr19-42830508-GGGAGGCGCCA-G.
Other names: c.116_125del, p.Glu39fs (NM_001410.3); short protein forms E39fs.
Identifiers: ClinVar variation 4720696 (VCV004720696.1).

ClinVar aggregate classification (germline): Pathogenic (1 of 4 stars; one submission).

Conditions:
MEGF8-related Carpenter syndrome. Also called: Carpenter syndrome 2. Identifiers: Orphanet 65759, MedGen C3554247, MONDO:0013998, OMIM 614976.

Submission:

Labcorp Genetics (formerly Invitae), Labcorp
Classification: Pathogenic for MEGF8-related Carpenter syndrome. Last evaluated: 2025-07-14. Review status: criteria provided, single submitter. Criteria: Invitae Variant Classification Sherloc (09022015). Collection method: clinical testing. Allele origin: germline.
Comment: This sequence change creates a premature translational stop signal (p.Glu39Alafs*3) in the MEGF8 gene. It is expected to result in an absent or disrupted protein product. Loss-of-function variants in MEGF8 are known to be pathogenic (PMID: 23063620). This variant is not present in population databases (gnomAD no frequency). This variant has not been reported in the literature in individuals affected with MEGF8-related conditions. For these reasons, this variant has been classified as Pathogenic.

Literature cited by the submitters: PubMed 23063620.